The following is an entry in ClinVar:

ClinVar aggregate classification (germline): Likely benign. Review status: criteria provided, single submitter (1 of 4 stars). 2 submissions from 2 submitters: Likely benign (1). 1 of the submissions does not count toward it. Last evaluated 2024-11-06.

Conditions:
TASP1-related disorder. Also called: TASP1-related condition.

Submissions (2):

Blueprint Genetics
Classification: Likely benign. Last evaluated: 2024-11-06. Review status: criteria provided, single submitter. Criteria: ACMG Guidelines, 2015. Collection method: clinical testing. Allele origin: germline.

PreventionGenetics, part of Exact Sciences
Classification: Likely benign for TASP1-related condition. Last evaluated: 2019-11-06. Review status: no assertion criteria provided. Collection method: clinical testing. Allele origin: germline. Not counted in ClinVar's aggregate classification.
Comment: This variant is classified as likely benign based on ACMG/AMP sequence variant interpretation guidelines (Richards et al. 2015 PMID: 25741868, with internal and published modifications).

NM_017714.3(TASP1):c.404-6_404-5del

Gene: TASP1 (taspase 1; minus strand). Cytogenetic location: 20p12.1.
Variant type: Deletion.
Coding change: c.404-6_404-5del on transcript NM_017714.3 (MANE Select); 6 bases into the intron before coding-DNA position 404 through 5 bases into the intron before coding-DNA position 404, 2 bases deleted (TT; older notation c.404-6_404-5delTT).
Molecular consequence: intron variant.
Genome position (GRCh38, 1-based): chr20:13,580,986-13,580,987, AA deleted on the plus strand (TT on the coding strand, the reverse complement: TASP1 is on the minus strand); deleting any 2 consecutive bases within chr20:13,580,986-13,581,001 gives the same sequence; the c. name uses the placement nearest the transcript's 3' end. VCF-style (leftmost placement, unchanged base first): chr20-13580985-TAA-T. GRCh37 (hg19) VCF-style: chr20-13561632-TAA-T.
Other names: c.282+42459_282+42460del (NM_001323602.2); c.98-6_98-5del (NM_001323604.2, NM_001323603.2).
Identifiers: ClinVar variation 3042908 (VCV003042908.3), dbSNP rs71334133, ClinGen allele CA9766734.
Genomic context (GRCh38, chr20:13,580,985, plus strand): 5'-TGCCCTTCTGCCCTTCACATAAGAGTCTGTTGGCAACCGAGACTGGGTTCTTGATTCCTA[TAA>T]AAAAAAAAAAAAAATTGGCAAAAAAGATGTCAGAAATGTCTTCTAGTTTCCCACTCAGTT-3'